The following is an entry in ClinVar:

NM_001171.6(ABCC6):c.3566G>A (p.Cys1189Tyr)

Gene: ABCC6 (ATP binding cassette subfamily C member 6; minus strand). Cytogenetic location: 16p13.11.
Variant type: single nucleotide variant.
Coding change: c.3566G>A on transcript NM_001171.6 (MANE Select); coding-DNA position 3566, G replaced by A.
Protein change: p.Cys1189Tyr; replaces cysteine 1189 with tyrosine.
Molecular consequence: missense variant. On other transcripts: non-coding transcript variant (1).
Genome position (GRCh38, 1-based): chr16:16,161,505, C>T on the plus strand (G>A on the coding strand, the complement: ABCC6 is on the minus strand). VCF-style: chr16-16161505-C-T. GRCh37 (hg19) VCF-style: chr16-16255362-C-T.
Other names: c.3224G>A, p.Cys1075Tyr (NM_001351800.1); short protein forms C1075Y, C1189Y.
Identifiers: ClinVar variation 2042565 (VCV002042565.3), dbSNP rs1440735646, ClinGen allele CA394879943.

ClinVar aggregate classification (germline): Uncertain significance (1 of 4 stars; one submission).

Allele frequency attached by ClinVar (database versions not stated): gnomAD exomes 0.00001.
gnomAD v4.1: 4 of 1,613,996 alleles (0.00025%); highest among the groups gnomAD compares: South Asian, 0.0011%; no homozygotes.

Submission:

Labcorp Genetics (formerly Invitae), Labcorp
Classification: Uncertain significance. Last evaluated: 2025-01-13. Review status: criteria provided, single submitter. Criteria: Invitae Variant Classification Sherloc (09022015). Collection method: clinical testing. Allele origin: germline.
Comment: This sequence change replaces cysteine, which is neutral and slightly polar, with tyrosine, which is neutral and polar, at codon 1189 of the ABCC6 protein (p.Cys1189Tyr). This variant is not present in population databases (gnomAD no frequency). This variant has not been reported in the literature in individuals affected with ABCC6-related conditions. ClinVar contains an entry for this variant (Variation ID: 2042565). Invitae Evidence Modeling of protein sequence and biophysical properties (such as structural, functional, and spatial information, amino acid conservation, physicochemical variation, residue mobility, and thermodynamic stability) indicates that this missense variant is not expected to disrupt ABCC6 protein function with a negative predictive value of 95%. In summary, the available evidence is currently insufficient to determine the role of this variant in disease. Therefore, it has been classified as a Variant of Uncertain Significance.